The following is an entry in ClinVar:

NM_001366385.1(CARD14):c.1789C>T (p.Arg597Trp)

Gene: CARD14 (caspase recruitment domain family member 14; plus strand). Cytogenetic location: 17q25.3.
Variant type: single nucleotide variant.
Coding change: c.1789C>T on transcript NM_001366385.1 (MANE Select); coding-DNA position 1789, C replaced by T.
Protein change: p.Arg597Trp; replaces arginine 597 with tryptophan.
Molecular consequence: missense variant. On other transcripts: non-coding transcript variant (1).
Genome position (GRCh38, 1-based): chr17:80,198,529, C>T. VCF-style: chr17-80198529-C-T. GRCh37 (hg19) VCF-style: chr17-78172328-C-T.
Other names: p.Arg597Trp; c.1789C>T, p.Arg597Trp (NM_001257970.1, NM_024110.4); c.1078C>T, p.Arg360Trp (NM_052819.3); short protein forms R597W, R360W.
Identifiers: ClinVar variation 458090 (VCV000458090.43), dbSNP rs73429414, ClinGen allele CA8816988.
Genomic context (GRCh38, chr17:80,198,529, plus strand): 5'-GATGCATTGCTGGAGCAGATCAGCGTCATCGGCGGGAACCTCACGGGCATCTTCATCCAC[C>T]GGGTCACCCCGGGCTCGGCGGCGGACCAGATGGCCTTGCGCCCGGGCACCCAGATTGTGA-3'
Protein context (NP_001353314.1, residues 587-607): GGNLTGIFIH[Arg597Trp]VTPGSAADQM

ClinVar aggregate classification (germline): Benign/Likely benign. Review status: criteria provided, multiple submitters, no conflicts (2 of 4 stars). 7 submissions from 7 submitters: Benign (5); Likely benign (2). Last evaluated 2026-02-01.

Conditions:
Pityriasis rubra pilaris (PRP). Also called: Pityriasis rubra pilaris--familial type. Identifiers: Orphanet 2897, MedGen C0032027, MONDO:0100017, OMIM 173200, MONDO:0008251.
Psoriasis 2. Identifiers: MedGen C1864497, MONDO:0011269, OMIM 602723.
Autoinflammatory syndrome. Identifiers: Orphanet 93665, MedGen C3890737, MONDO:0019751.

Allele frequency attached by ClinVar (database versions not stated): 1000 Genomes Project 0.00998; gnomAD 0.01041 and 0.01118; 1000 Genomes Project 30x 0.01062; TOPMed 0.01243; ESP Exome Variant Server 0.01246.
gnomAD v4.1: 3,100 of 1,613,262 alleles (0.19%); highest among the groups gnomAD compares: African/African-American, 3.6%; 50 homozygotes.

Submissions (7):

Labcorp Genetics (formerly Invitae), Labcorp
Classification: Benign for Pityriasis rubra pilaris; Psoriasis 2. Last evaluated: 2026-02-01. Review status: criteria provided, single submitter. Criteria: Invitae Variant Classification Sherloc (09022015). Collection method: clinical testing. Allele origin: germline.

Women's Health and Genetics/Laboratory Corporation of America, LabCorp
Classification: Likely benign. Last evaluated: 2026-01-22. Review status: criteria provided, single submitter. Criteria: LabCorp Variant Classification Summary - May 2015. Collection method: clinical testing. Allele origin: germline.

Blueprint Genetics
Classification: Likely benign. Last evaluated: 2024-11-26. Review status: criteria provided, single submitter. Criteria: ACMG Guidelines, 2015. Collection method: clinical testing. Allele origin: germline.

CeGaT Center for Human Genetics Tuebingen
Classification: Benign. Last evaluated: 2022-09-01. Review status: criteria provided, single submitter. Criteria: CeGaT Center For Human Genetics Tuebingen Variant Classification Criteria Version 2. Collection method: clinical testing. Allele origin: germline. Affected: yes. Observed: 1 variant allele.
Comment: CARD14: BP4, BS1, BS2

Mayo Clinic Laboratories, Mayo Clinic
Classification: Benign. Last evaluated: 2022-03-08. Review status: criteria provided, single submitter. Criteria: ACMG Guidelines, 2015. Collection method: clinical testing. Allele origin: germline. Observed: 2 variant alleles.
Comment: BA1

Genome Diagnostics Laboratory, The Hospital for Sick Children
Classification: Benign for Autoinflammatory syndrome. Last evaluated: 2022-02-25. Review status: criteria provided, single submitter. Criteria: ACMG Guidelines, 2015. Collection method: clinical testing. Allele origin: germline. Affected: yes.

Breakthrough Genomics
Classification: Benign. Review status: criteria provided, single submitter. Criteria: ACMG Guidelines, 2015. Collection method: not provided. Allele origin: germline. Inheritance: Autosomal dominant inheritance. Affected: yes.